The following is an entry in ClinVar:

ClinVar aggregate classification (germline): Likely benign (1 of 4 stars; one submission).

Allele frequency attached by ClinVar (database versions not stated): TOPMed 0.00085; gnomAD 0.00119 and 0.00121; 1000 Genomes Project 30x 0.00125; gnomAD exomes 0.00357; ExAC 0.00621.

Submissions (2):

GeneDx
Classification: Likely benign. Last evaluated: 2018-03-05. Review status: criteria provided, single submitter. Criteria: GeneDx Variant Classification (06012015). Collection method: clinical testing. Allele origin: germline. Affected: yes.
Comment: This variant is considered likely benign or benign based on one or more of the following criteria: it is a conservative change, it occurs at a poorly conserved position in the protein, it is predicted to be benign by multiple in silico algorithms, and/or has population frequency not consistent with disease.

Dr. Peter K. Rogan Lab, Western University
No classification provided (evidence only). Condition: Familial cancer of breast. Review status: no classification provided. Collection method: in vitro. Allele origin: not applicable. Functional consequence: retained intron. Not counted in ClinVar's aggregate classification.

NM_001347995.2(ENTREP1):c.1163-21_1163-7del

Gene: ENTREP1 (endosomal transmembrane epsin interactor 1; plus strand). Cytogenetic location: 9q21.12.
Variant type: Deletion.
Coding change: c.1163-21_1163-7del on transcript NM_001347995.2 (MANE Select); 21 bases into the intron before coding-DNA position 1163 through 7 bases into the intron before coding-DNA position 1163, 15 bases deleted (TTTTTTTTTTTTTTA).
Molecular consequence: intron variant.
Genome position (GRCh38, 1-based): chr9:69,385,774-69,385,788, TTTTTTTTTTTTTTA deleted. VCF-style (leftmost placement, unchanged base first): chr9-69385773-TTTTTTTTTTTTTTTA-T. GRCh37 (hg19) VCF-style: chr9-72000689-TTTTTTTTTTTTTTTA-T.
Other names: NC_000009.11:g.72000690_72000704del; c.704-21_704-7del (NM_001127608.3, NM_004816.5).
Identifiers: ClinVar variation 515577 (VCV000515577.3), dbSNP rs758317730, ClinGen allele CA5074388.